The following is an entry in ClinVar:

ClinVar aggregate classification (germline): Uncertain significance. Review status: criteria provided, multiple submitters, no conflicts (2 of 4 stars). 3 submissions from 3 submitters: Uncertain significance (3). Last evaluated 2026-09-01.

Conditions:
Hereditary cancer-predisposing syndrome. Also called: Neoplastic Syndromes, Hereditary; Hereditary neoplastic syndrome; Hereditary Cancer Syndrome; Tumor predisposition. Identifiers: Orphanet 140162, MedGen C0027672, MeSH D009386, MONDO:0015356.
Cardiovascular phenotype. Identifiers: MedGen CN230736.
Neurofibromatosis, type 1 (NF1). Also called: VON RECKLINGHAUSEN DISEASE; Neurofibromatosis, type I; Peripheral type neurofibromatosis; NEUROFIBROMATOSIS, TYPE I, SOMATIC. Identifiers: Orphanet 636, MedGen C0027831, MONDO:0018975, OMIM 162200. Disease mechanism: loss of function.

Allele frequency attached by ClinVar (database versions not stated): gnomAD exomes below 0.00001.
gnomAD v4.1: 3 of 1,613,172 alleles (0.00019%); highest among the groups gnomAD compares: Admixed American, 0.0033%; no homozygotes.

Submissions (3):

Ambry Genetics
Classification: Uncertain significance for Cardiovascular phenotype; Hereditary cancer-predisposing syndrome. Last evaluated: 2026-09-01. Review status: criteria provided, single submitter. Criteria: Ambry Variant Classification Scheme 2023. Collection method: clinical testing. Allele origin: germline.
Comment: The p.I1698V variant (also known as c.5092A>G), located in coding exon 36 of the NF1 gene, results from an A to G substitution at nucleotide position 5092. The isoleucine at codon 1698 is replaced by valine, an amino acid with highly similar properties. This amino acid position is well conserved in available vertebrate species. In addition, this alteration is predicted to be tolerated by in silico analysis. Since supporting evidence is limited at this time, the clinical significance of this alteration remains unclear.

Labcorp Genetics (formerly Invitae), Labcorp
Classification: Uncertain significance for Neurofibromatosis, type 1. Last evaluated: 2025-09-08. Review status: criteria provided, single submitter. Criteria: Invitae Variant Classification Sherloc (09022015). Collection method: clinical testing. Allele origin: germline.
Comment: This sequence change replaces isoleucine, which is neutral and non-polar, with valine, which is neutral and non-polar, at codon 1698 of the NF1 protein (p.Ile1698Val). This variant is present in population databases (no rsID available, gnomAD 0.003%). This variant has not been reported in the literature in individuals affected with NF1-related conditions. ClinVar contains an entry for this variant (Variation ID: 484146). Invitae Evidence Modeling of protein sequence and biophysical properties (such as structural, functional, and spatial information, amino acid conservation, physicochemical variation, residue mobility, and thermodynamic stability) indicates that this missense variant is not expected to disrupt NF1 protein function with a negative predictive value of 95%. In summary, the available evidence is currently insufficient to determine the role of this variant in disease. Therefore, it has been classified as a Variant of Uncertain Significance.

Genome-Nilou Lab
Classification: Uncertain significance for Neurofibromatosis, type 1. Last evaluated: 2022-03-15. Review status: criteria provided, single submitter. Criteria: ACMG Guidelines, 2015. Collection method: clinical testing. Allele origin: germline. Affected: no.

NM_001042492.3(NF1):c.5155A>G (p.Ile1719Val)

Gene: NF1 (neurofibromin 1; plus strand). Cytogenetic location: 17q11.2.
Variant type: single nucleotide variant.
Coding change: c.5155A>G on transcript NM_001042492.3 (MANE Select); coding-DNA position 5155, A replaced by G.
Protein change: p.Ile1719Val; replaces isoleucine 1719 with valine.
Molecular consequence: missense variant.
Genome position (GRCh38, 1-based): chr17:31,326,139, A>G. VCF-style: chr17-31326139-A-G. GRCh37 (hg19) VCF-style: chr17-29653157-A-G.
Other names: c.5092A>G, p.Ile1698Val (NM_000267.4); short protein forms I1698V, I1719V.
Identifiers: ClinVar variation 484146 (VCV000484146.12), dbSNP rs1434439252, ClinGen allele CA399007822.